The following is an entry in ClinVar:

NM_001130438.3(SPTAN1):c.4525G>A (p.Asp1509Asn)

Gene: SPTAN1 (spectrin alpha, non-erythrocytic 1; plus strand). Cytogenetic location: 9q34.11.
Variant type: single nucleotide variant.
Coding change: c.4525G>A on transcript NM_001130438.3 (MANE Select); coding-DNA position 4525, G replaced by A.
Protein change: p.Asp1509Asn; replaces aspartic acid 1509 with asparagine.
Molecular consequence: missense variant.
Genome position (GRCh38, 1-based): chr9:128,608,907, G>A. VCF-style: chr9-128608907-G-A. GRCh37 (hg19) VCF-style: chr9-131371186-G-A.
Other names: p.D1509N:GAC>AAC; c.4465G>A, p.Asp1489Asn (NM_001195532.2, NM_001363765.2); c.4525G>A, p.Asp1509Asn (NM_001363759.2, NM_003127.4); short protein forms D1509N, D1489N.
Identifiers: ClinVar variation 207337 (VCV000207337.8), dbSNP rs757714696, ClinGen allele CA318705.

ClinVar aggregate classification (germline): Uncertain significance. Review status: criteria provided, multiple submitters, no conflicts (2 of 4 stars). 2 submissions from 2 submitters: Uncertain significance (2). Last evaluated 2024-10-24.

Conditions:
Early-infantile DEE. Also called: Ohtahara syndrome; Early infantile epileptic encephalopathy; Early infantile epileptic encephalopathy with suppression bursts. Identifiers: Orphanet 1934, MedGen C0393706, MONDO:0800491.

Allele frequency attached by ClinVar (database versions not stated): ExAC 0.00001; gnomAD exomes 0.00001; gnomAD 0.00002 and 0.00003; TOPMed 0.00003.
gnomAD v4.1: 14 of 1,614,120 alleles (0.00087%); highest among the groups gnomAD compares: South Asian, 0.0077%; no homozygotes.

Submissions (2):

Labcorp Genetics (formerly Invitae), Labcorp
Classification: Uncertain significance for Early-infantile DEE. Last evaluated: 2024-10-24. Review status: criteria provided, single submitter. Criteria: Invitae Variant Classification Sherloc (09022015). Collection method: clinical testing. Allele origin: germline.
Comment: This sequence change replaces aspartic acid, which is acidic and polar, with asparagine, which is neutral and polar, at codon 1509 of the SPTAN1 protein (p.Asp1509Asn). This variant is present in population databases (rs757714696, gnomAD 0.01%). This variant has not been reported in the literature in individuals affected with SPTAN1-related conditions. ClinVar contains an entry for this variant (Variation ID: 207337). Invitae Evidence Modeling of protein sequence and biophysical properties (such as structural, functional, and spatial information, amino acid conservation, physicochemical variation, residue mobility, and thermodynamic stability) has been performed for this missense variant. However, the output from this modeling did not meet the statistical confidence thresholds required to predict the impact of this variant on SPTAN1 protein function. In summary, the available evidence is currently insufficient to determine the role of this variant in disease. Therefore, it has been classified as a Variant of Uncertain Significance.

GeneDx
Classification: Uncertain significance. Last evaluated: 2017-09-25. Review status: criteria provided, single submitter. Criteria: GeneDx Variant Classification (06012015). Collection method: clinical testing. Allele origin: germline. Affected: yes.
Comment: p.Asp1509Asn (GAC>AAC): c.4525 G>A in exon 35 of the SPTAN1 gene (NM_001130438.2) The Asp1509Asn missense change in the SPTAN1 gene has not been published as a mutation, nor has it been reported as a benign polymorphism to our knowledge. It was not observed in approximately 6,500 individuals of European and African American ancestry in the NHLBI Exome Sequencing Project, indicating it is not a common benign variant in these populations. This variant is a non-conservative amino acid substitution of a negatively charged Aspartic acid residue with an uncharged Asparagine residue at a position that is conserved through mammals but is not conserved in more distantly related species. Previously reported pathogenic mutations in SPTAN1 include in-frame deletions or duplications located within the last four spectrin repeats of the protein, which are essential for dimerization (Saitsu et al., 2010), and the Asp1509 residue is outside this region. Additionally, in silico analysis predicts this variant likely has a benign effect on the protein structure/function. Therefore, based on the currently available information, it is unclear whether Asp1509Asn is a disease-causing mutation or a rare benign variant. The variant is found in INFANT-EPI panel(s).